The following is an entry in ClinVar:

ClinVar aggregate classification (germline): Pathogenic. Review status: criteria provided, multiple submitters, no conflicts (2 of 4 stars). 2 submissions from 2 submitters: Pathogenic (2). Last evaluated 2025-06-11.

Conditions:
Congenital adrenal insufficiency with 46, XY sex reversal OR 46,XY disorder of sex development-adrenal insufficiency due to CYP11A1 deficiency. Also called: Congenital adrenal insuffiency with 46, XY sex reversal OR 46,XY disorder of sex development-adrenal insufficiency due to CYP11A1 deficiency; P450scc DEFICIENCY. Identifiers: Orphanet 168558, MedGen C3151055, MONDO:0013400, OMIM 613743.

Submissions (2):

Myriad Genetics, Inc.
Classification: Pathogenic for Congenital adrenal insufficiency with 46, XY sex reversal OR 46,XY disorder of sex development-adrenal insufficiency due to CYP11A1 deficiency. Last evaluated: 2025-06-11. Review status: criteria provided, single submitter. Criteria: Myriad Autosomal Dominant, Autosomal Recessive and X-Linked Classification Criteria (2023). Collection method: clinical testing. Allele origin: unknown.
Comment: NM_000781.2(CYP11A1):c.622G>T(E208*) is expected to be pathogenic in the context of congenital adrenal hyperplasia, CYP11A1-related. This variant is predicted to lead to an abnormal or absent protein product due to the creation of a premature termination codon in CYP11A1, a gene where loss-of-function variants are known to be pathogenic. Please note: this variant was assessed in the context of healthy population screening.

Labcorp Genetics (formerly Invitae), Labcorp
Classification: Pathogenic. Last evaluated: 2023-06-28. Review status: criteria provided, single submitter. Criteria: Invitae Variant Classification Sherloc (09022015). Collection method: clinical testing. Allele origin: germline.
Comment: For these reasons, this variant has been classified as Pathogenic. This variant has not been reported in the literature in individuals affected with CYP11A1-related conditions. This variant is not present in population databases (gnomAD no frequency). This sequence change creates a premature translational stop signal (p.Glu208*) in the CYP11A1 gene. It is expected to result in an absent or disrupted protein product. Loss-of-function variants in CYP11A1 are known to be pathogenic (PMID: 15507506, 22435390, 27855232, 229968487).

Literature cited by the submitters: PubMed 15507506 (cited by Labcorp Genetics (formerly Invitae), Labcorp); PubMed 22435390 (cited by Labcorp Genetics (formerly Invitae), Labcorp); PubMed 27855232 (cited by Labcorp Genetics (formerly Invitae), Labcorp); PubMed 229968487 (cited by Labcorp Genetics (formerly Invitae), Labcorp).

NM_000781.3(CYP11A1):c.622G>T (p.Glu208Ter)

Gene: CYP11A1 (cytochrome P450 family 11 subfamily A member 1; minus strand). Cytogenetic location: 15q24.1.
Variant type: single nucleotide variant.
Coding change: c.622G>T on transcript NM_000781.3 (MANE Select); coding-DNA position 622, G replaced by T.
Protein change: p.Glu208Ter; replaces glutamic acid 208 with a stop codon.
Molecular consequence: nonsense.
Genome position (GRCh38, 1-based): chr15:74,345,047, C>A on the plus strand (G>T on the coding strand, the complement: CYP11A1 is on the minus strand). VCF-style: chr15-74345047-C-A. GRCh37 (hg19) VCF-style: chr15-74637388-C-A.
Other names: c.148G>T, p.Glu50Ter (NM_001099773.2); short protein forms E208*, E50*.
Identifiers: ClinVar variation 2791426 (VCV002791426.3), dbSNP rs1400474918, ClinGen allele CA393149232.